The following is an entry in ClinVar:

NM_001103.4(ACTN2):c.1027A>G (p.Ile343Val)

Gene: ACTN2 (actinin alpha 2; plus strand). Cytogenetic location: 1q43.
Variant type: single nucleotide variant.
Coding change: c.1027A>G on transcript NM_001103.4 (MANE Select); coding-DNA position 1027, A replaced by G.
Protein change: p.Ile343Val; replaces isoleucine 343 with valine.
Molecular consequence: missense variant. On other transcripts: non-coding transcript variant (1).
Genome position (GRCh38, 1-based): chr1:236,739,452, A>G. VCF-style: chr1-236739452-A-G. GRCh37 (hg19) VCF-style: chr1-236902752-A-G.
Other names: c.1027A>G, p.Ile343Val (NM_001278343.2); short protein forms I343V.
Identifiers: ClinVar variation 4222012 (VCV004222012.1).

ClinVar aggregate classification (germline): Uncertain significance (1 of 4 stars; one submission).

Conditions:
Cardiovascular phenotype. Identifiers: MedGen CN230736.

gnomAD v4.1: 1 of 1,614,082 alleles (0.000062%); highest among the groups gnomAD compares: Non-Finnish European, 0.000085%; no homozygotes.

Submission:

Ambry Genetics
Classification: Uncertain significance for Cardiovascular phenotype. Last evaluated: 2025-08-28. Review status: criteria provided, single submitter. Criteria: Ambry Variant Classification Scheme 2023. Collection method: clinical testing. Allele origin: germline.
Comment: The p.I343V variant (also known as c.1027A>G), located in coding exon 10 of the ACTN2 gene, results from an A to G substitution at nucleotide position 1027. The isoleucine at codon 343 is replaced by valine, an amino acid with highly similar properties. This amino acid position is conserved. In addition, this alteration is predicted to be tolerated by in silico analysis. Based on the available evidence, the clinical significance of this variant remains unclear.